The following is an entry in ClinVar:

NM_018943.3(TUBA8):c.1159G>A (p.Ala387Thr)

Gene: TUBA8 (tubulin alpha 8; plus strand). Cytogenetic location: 22q11.21.
Variant type: single nucleotide variant.
Coding change: c.1159G>A on transcript NM_018943.3 (MANE Select); coding-DNA position 1159, G replaced by A.
Protein change: p.Ala387Thr; replaces alanine 387 with threonine.
Molecular consequence: missense variant.
Genome position (GRCh38, 1-based): chr22:18,130,945, G>A. VCF-style: chr22-18130945-G-A. GRCh37 (hg19) VCF-style: chr22-18613712-G-A.
Other names: c.961G>A, p.Ala321Thr (NM_001193414.2); short protein forms A387T, A321T.
Identifiers: ClinVar variation 1448349 (VCV001448349.8), dbSNP rs1057365304, ClinGen allele CA321288562.
Genomic context (GRCh38, chr22:18,130,945, plus strand): 5'-GACCTGGCCAAGGTGCAGCGGGCCGTCTGCATGCTCAGCAACACCACGGCCATTGCGGAG[G>A]CCTGGGCCCGCCTCGACCACAAGTTCGACCTCATGTACGCCAAGCGGGCCTTTGTGCATT-3'
Protein context (NP_061816.1, residues 377-397): MLSNTTAIAE[Ala387Thr]WARLDHKFDL

ClinVar aggregate classification (germline): Uncertain significance (1 of 4 stars; one submission).

Allele frequency attached by ClinVar (database versions not stated): gnomAD exomes below 0.00001 and 0.00002; gnomAD 0.00001; TOPMed 0.00001.
gnomAD v4.1: 37 of 1,614,038 alleles (0.0023%); highest among the groups gnomAD compares: Non-Finnish European, 0.0031%; no homozygotes.

Submission:

Labcorp Genetics (formerly Invitae), Labcorp
Classification: Uncertain significance. Last evaluated: 2023-03-02. Review status: criteria provided, single submitter. Criteria: Invitae Variant Classification Sherloc (09022015). Collection method: clinical testing. Allele origin: germline.
Comment: This sequence change replaces alanine, which is neutral and non-polar, with threonine, which is neutral and polar, at codon 387 of the TUBA8 protein (p.Ala387Thr). This variant is present in population databases (no rsID available, gnomAD 0.0009%). This variant has not been reported in the literature in individuals affected with TUBA8-related conditions. ClinVar contains an entry for this variant (Variation ID: 1448349). Advanced modeling of protein sequence and biophysical properties (such as structural, functional, and spatial information, amino acid conservation, physicochemical variation, residue mobility, and thermodynamic stability) has been performed at Invitae for this missense variant, however the output from this modeling did not meet the statistical confidence thresholds required to predict the impact of this variant on TUBA8 protein function. In summary, the available evidence is currently insufficient to determine the role of this variant in disease. Therefore, it has been classified as a Variant of Uncertain Significance.